The following is an entry in ClinVar:

NM_004974.4(KCNA2):c.1124T>C (p.Val375Ala)

Gene: KCNA2 (potassium voltage-gated channel subfamily A member 2; minus strand). Cytogenetic location: 1p13.3.
Variant type: single nucleotide variant.
Coding change: c.1124T>C on transcript NM_004974.4 (MANE Select); coding-DNA position 1124, T replaced by C.
Protein change: p.Val375Ala; replaces valine 375 with alanine.
Molecular consequence: missense variant. On other transcripts: intron variant (1).
Genome position (GRCh38, 1-based): chr1:110,603,659, A>G on the plus strand (T>C on the coding strand, the complement: KCNA2 is on the minus strand). VCF-style: chr1-110603659-A-G. GRCh37 (hg19) VCF-style: chr1-111146281-A-G.
Other names: c.894+230T>C (NM_001204269.2); short protein forms V375A.
Identifiers: ClinVar variation 4527894 (VCV004527894.1).

ClinVar aggregate classification (germline): Uncertain significance (1 of 4 stars; one submission).

Submission:

GeneDx
Classification: Uncertain significance. Last evaluated: 2025-05-06. Review status: criteria provided, single submitter. Criteria: GeneDx Variant Classification Process June 2021. Collection method: clinical testing. Allele origin: germline. Affected: yes.
Comment: Not observed at significant frequency in large population cohorts (gnomAD); In silico analysis supports that this missense variant has a deleterious effect on protein structure/function; Has not been previously published as pathogenic or benign to our knowledge